The following is an entry in ClinVar:

NM_014714.4(IFT140):c.3638C>T (p.Thr1213Met)

Gene: IFT140 (intraflagellar transport 140; minus strand). Cytogenetic location: 16p13.3.
Variant type: single nucleotide variant.
Coding change: c.3638C>T on transcript NM_014714.4 (MANE Select); coding-DNA position 3638, C replaced by T.
Protein change: p.Thr1213Met; replaces threonine 1213 with methionine.
Molecular consequence: missense variant.
Genome position (GRCh38, 1-based): chr16:1,520,624, G>A on the plus strand (C>T on the coding strand, the complement: IFT140 is on the minus strand). VCF-style: chr16-1520624-G-A. GRCh37 (hg19) VCF-style: chr16-1570625-G-A.
Other names: short protein forms T1213M.
Identifiers: ClinVar variation 4811828 (VCV004811828.2).
Genomic context (GRCh38, chr16:1,520,624, plus strand): 5'-TGTGAGGTAGCCGCGGGCTGGGGCCGGGAGAGGCTCACCTTCAGCTTGTTGCCGGCCTGC[G>A]TGTACTTCTTGGTGGCCAGGTGGTAGCTGCCCTGGCGCATGCAGCAGTCTGCTATCTGCT-3'
Protein context (NP_055529.2, residues 1203-1223): GSYHLATKKY[Thr1213Met]QAGNKLKAMR

ClinVar aggregate classification (germline): Uncertain significance. Review status: criteria provided, multiple submitters, no conflicts (2 of 4 stars). 2 submissions from 2 submitters: Uncertain significance (2). Last evaluated 2026-01-21.

Conditions:
Saldino-Mainzer syndrome (SRTD9). Also called: CONORENAL SYNDROME; Renal dysplasia, retinal pigmentary dystrophy, cerebellar ataxia and skeletal dysplasia; SHORT-RIB THORACIC DYSPLASIA 9 WITHOUT POLYDACTYLY; short-rib thoracic dysplasia 9 with or without polydactyly. Identifiers: Orphanet 140969, MedGen C1849437, MONDO:0009964, OMIM 266920.

gnomAD v4.1: 7 of 1,594,750 alleles (0.00044%); highest among the groups gnomAD compares: South Asian, 0.0023%; 1 homozygote.

Submissions (2):

Labcorp Genetics (formerly Invitae), Labcorp
Classification: Uncertain significance for Saldino-Mainzer syndrome. Last evaluated: 2026-01-21. Review status: criteria provided, single submitter. Criteria: Invitae Variant Classification Sherloc (09022015). Collection method: clinical testing. Allele origin: germline.
Comment: This sequence change replaces threonine, which is neutral and polar, with methionine, which is neutral and non-polar, at codon 1213 of the IFT140 protein (p.Thr1213Met). This variant is not present in population databases (gnomAD no frequency). This variant has not been reported in the literature in individuals affected with IFT140-related conditions. An algorithm developed to predict the effect of missense changes on protein structure and function outputs the following: PolyPhen-2: "Probably Damaging". The methionine amino acid residue is found in multiple mammalian species, which suggests that this missense change does not adversely affect protein function. In summary, the available evidence is currently insufficient to determine the role of this variant in disease. Therefore, it has been classified as a Variant of Uncertain Significance.

Blueprint Genetics
Classification: Uncertain significance. Last evaluated: 2024-10-23. Review status: criteria provided, single submitter. Criteria: ACMG Guidelines, 2015. Collection method: clinical testing. Allele origin: germline.